The following is an entry in ClinVar:

NM_152424.4(AMER1):c.2955C>T (p.Ser985=)

Gene: AMER1 (APC membrane recruitment protein 1; minus strand). Cytogenetic location: Xq11.2.
Variant type: single nucleotide variant.
Coding change: c.2955C>T on transcript NM_152424.4 (MANE Select); coding-DNA position 2955, C replaced by T.
Protein change: p.Ser985=; no amino-acid change (serine 985 retained).
Molecular consequence: synonymous variant.
Genome position (GRCh38, 1-based): chrX:64,190,332, G>A on the plus strand (C>T on the coding strand, the complement: AMER1 is on the minus strand). VCF-style: chrX-64190332-G-A. GRCh37 (hg19) VCF-style: chrX-63410212-G-A.
Identifiers: ClinVar variation 3348273 (VCV003348273.1).

ClinVar aggregate classification (germline): Likely benign (0 of 4 stars; one submission).

Conditions:
AMER1-related disorder. Also called: AMER1-related condition.

gnomAD v4.1: 1 of 1,211,678 alleles (0.000083%); highest among the groups gnomAD compares: Admixed American, 0.0022%; no homozygotes.

Submission:

PreventionGenetics, part of Exact Sciences
Classification: Likely benign for AMER1-related condition. Last evaluated: 2024-09-08. Review status: no assertion criteria provided. Collection method: clinical testing. Allele origin: germline.
Comment: This variant is classified as likely benign based on ACMG/AMP sequence variant interpretation guidelines (Richards et al. 2015 PMID: 25741868, with internal and published modifications).